The following is an entry in ClinVar:

NM_002473.6(MYH9):c.3205_3225del (p.Ala1069_Lys1075del)

Gene: MYH9 (myosin heavy chain 9; minus strand). Cytogenetic location: 22q12.3.
Variant type: Deletion.
Coding change: c.3205_3225del on transcript NM_002473.6 (MANE Select); coding-DNA positions 3205 to 3225, 21 bases deleted (GCCCAGATCGCGGAGCTCAAG).
Protein change: p.Ala1069_Lys1075del.
Molecular consequence: inframe deletion.
Genome position (GRCh38, 1-based): chr22:36,296,890-36,296,910, CTTGAGCTCCGCGATCTGGGC deleted on the plus strand (GCCCAGATCGCGGAGCTCAAG on the coding strand, the reverse complement: MYH9 is on the minus strand); deleting any 21 consecutive bases within chr22:36,296,890-36,296,912 gives the same sequence; the c. name uses the placement nearest the transcript's 3' end. VCF-style (leftmost placement, unchanged base first): chr22-36296889-TCTTGAGCTCCGCGATCTGGGC-T. GRCh37 (hg19) VCF-style: chr22-36692935-TCTTGAGCTCCGCGATCTGGGC-T.
Identifiers: ClinVar variation 1518671 (VCV001518671.8), dbSNP rs2146339780, ClinGen allele CA2573158097.

ClinVar aggregate classification (germline): Uncertain significance (1 of 4 stars; one submission).

Submission:

Labcorp Genetics (formerly Invitae), Labcorp
Classification: Uncertain significance. Last evaluated: 2021-07-26. Review status: criteria provided, single submitter. Criteria: Invitae Variant Classification Sherloc (09022015). Collection method: clinical testing. Allele origin: germline.
Comment: This variant, c.3205_3225del, results in the deletion of 7 amino acid(s) of the MYH9 protein (p.Ala1069_Lys1075del), but otherwise preserves the integrity of the reading frame. This variant is not present in population databases (ExAC no frequency). This variant has not been reported in the literature in individuals affected with MYH9-related conditions. Experimental studies and prediction algorithms are not available or were not evaluated, and the functional significance of this variant is currently unknown. In summary, the available evidence is currently insufficient to determine the role of this variant in disease. Therefore, it has been classified as a Variant of Uncertain Significance.